The following is an entry in ClinVar:

ClinVar aggregate classification (germline): Uncertain significance (1 of 4 stars; one submission).

Conditions:
PCNT-related disorder. Also called: PCNT-related condition.

Submission:

PreventionGenetics, part of Exact Sciences
Classification: Uncertain significance for PCNT-related condition. Last evaluated: 2025-10-26. Review status: criteria provided, single submitter. Criteria: ACMG Guidelines, 2015. Collection method: clinical testing. Allele origin: germline.
Comment: The PCNT c.8255G>C variant is predicted to result in the amino acid substitution p.Ser2752Thr. To our knowledge, this variant has not been reported in the literature or in a large population database (gnomAD), indicating this variant is rare. At this time, the clinical significance of this variant is uncertain due to the absence of conclusive functional and genetic evidence.

NM_006031.6(PCNT):c.8255G>C (p.Ser2752Thr)

Gene: PCNT (pericentrin; plus strand). Cytogenetic location: 21q22.3.
Variant type: single nucleotide variant.
Coding change: c.8255G>C on transcript NM_006031.6 (MANE Select); coding-DNA position 8255, G replaced by C.
Protein change: p.Ser2752Thr; replaces serine 2752 with threonine.
Molecular consequence: missense variant.
Genome position (GRCh38, 1-based): chr21:46,431,719, G>C. VCF-style: chr21-46431719-G-C. GRCh37 (hg19) VCF-style: chr21-47851633-G-C.
Other names: c.7901G>C, p.Ser2634Thr (NM_001315529.2); short protein forms S2752T, S2634T.
Identifiers: ClinVar variation 4992638 (VCV004992638.1).
Genomic context (GRCh38, chr21:46,431,719, plus strand): 5'-TGCTGGCTCAGGAGCGGAGCCAGCTCTCTGAGCTCCAGAAGGACCTTGCGGCTGAGAAGA[G>C]CCGCACCCTGGAGCTGTCAGAGGCCTTGCGGCACGAGCGGCTCCTGACCGAGCAGCTGAG-3'
Protein context (NP_006022.3, residues 2742-2762): ELQKDLAAEK[Ser2752Thr]RTLELSEALR